The following is an entry in ClinVar:

NM_001164508.2(NEB):c.13551dup (p.Leu4518fs)

Gene: NEB (nebulin; minus strand). Cytogenetic location: 2q23.3.
Variant type: Duplication.
Coding change: c.13551dup on transcript NM_001164508.2 (MANE Select); coding-DNA position 13551, one base duplicated (A; older notation c.13551dupA).
Protein change: p.Leu4518fs; shifts the reading frame from leucine 4518.
Molecular consequence: frameshift variant. On other transcripts: intron variant (1).
Genome position (GRCh38, 1-based): chr2:151,600,679, T duplicated on the plus strand (A on the coding strand, the reverse complement: NEB is on the minus strand); the first of 3 consecutive T bases (chr2:151,600,679-151,600,681); duplicating any one gives the same sequence. VCF-style (leftmost placement, unchanged base first): chr2-151600678-G-GT. GRCh37 (hg19) VCF-style: chr2-152457192-G-GT.
Other names: c.13551dup, p.Leu4518fs (NM_001164507.2, NM_001271208.2); c.11601+9130dup (NM_004543.5); short protein forms L4518fs.
Identifiers: ClinVar variation 2805897 (VCV002805897.3), dbSNP rs2552219836, ClinGen allele CA2739271366.

ClinVar aggregate classification (germline): Pathogenic (1 of 4 stars; one submission).

Conditions:
Nemaline myopathy 2 (NEM2). Also called: Nemaline myopathy 2, autosomal recessive. Identifiers: MedGen C1850569, MONDO:0009725, OMIM 256030.

Submission:

Labcorp Genetics (formerly Invitae), Labcorp
Classification: Pathogenic for Nemaline myopathy 2. Last evaluated: 2023-03-29. Review status: criteria provided, single submitter. Criteria: Invitae Variant Classification Sherloc (09022015). Collection method: clinical testing. Allele origin: germline.
Comment: This sequence change creates a premature translational stop signal (p.Leu4518Thrfs*13) in the NEB gene. It is expected to result in an absent or disrupted protein product. Loss-of-function variants in NEB are known to be pathogenic (PMID: 25205138). The frequency data for this variant in the population databases (gnomAD) is considered unreliable due to the presence of homologous sequence, such as pseudogenes or paralogs, in the genome. This variant has not been reported in the literature in individuals affected with NEB-related conditions. For these reasons, this variant has been classified as Pathogenic. This variant occurs in a region of NEB (Exons 82-105) consisting of three highly homologous 8-exon repeat units (exons 82-89, exons 90-97, exons 98-105). Sequence variants in this region can be detected, but this assay cannot determine which of the three repeat units is affected, and zygosity is often ambiguous. All variants in this region are reported relative to the exon 82-89 repeat.

Literature cited by the submitters: PubMed 25205138.